The following is an entry in ClinVar:

NM_213607.3(DNAAF19):c.289dup (p.Leu97fs)

Gene: DNAAF19 (dynein axonemal assembly factor 19; plus strand). Cytogenetic location: 17q21.31.
Variant type: Duplication.
Coding change: c.289dup on transcript NM_213607.3 (MANE Select); coding-DNA position 289, one base duplicated (C; older notation c.289dupC).
Protein change: p.Leu97fs; shifts the reading frame from leucine 97.
Molecular consequence: frameshift variant. On other transcripts: 3 prime UTR variant (1).
Genome position (GRCh38, 1-based): chr17:44,902,377, C duplicated; the last of 6 consecutive C bases (chr17:44,902,372-44,902,377); duplicating any one gives the same sequence. VCF-style (leftmost placement, unchanged base first): chr17-44902371-G-GC. GRCh37 (hg19) VCF-style: chr17-42979739-G-GC.
Other names: c.289dup, p.Leu97fs (NM_001258395.2, NM_001258396.2); c.*39dup (NM_001258397.3); c.290dup, p.Pro98fs (NM_001258398.3); c.293dup, p.Pro99fs (NM_001258399.2); short protein forms L97fs, P99fs, P98fs.
Identifiers: ClinVar variation 1797396 (VCV001797396.8), dbSNP rs1292757961, ClinGen allele CA626225301.

ClinVar aggregate classification (germline): Pathogenic/Likely pathogenic. Review status: criteria provided, multiple submitters, no conflicts (2 of 4 stars). 4 submissions from 4 submitters: Pathogenic (2); Likely pathogenic (2). Last evaluated 2025-09-10.

Conditions:
Primary ciliary dyskinesia. Also called: Ciliary dyskinesia. Identifiers: Orphanet 244, MedGen C0008780, MONDO:0016575, HP:0012265.
Primary ciliary dyskinesia 17. Also called: CILIARY DYSKINESIA, PRIMARY, 17, WITH OR WITHOUT SITUS INVERSUS. Identifiers: Orphanet 244, MedGen C3542550, MONDO:0013854, OMIM 614679.
CCDC103-related disorder. Also called: CCDC103-related condition.

Submissions (4):

Labcorp Genetics (formerly Invitae), Labcorp
Classification: Pathogenic for Primary ciliary dyskinesia. Last evaluated: 2025-09-10. Review status: criteria provided, single submitter. Criteria: Invitae Variant Classification Sherloc (09022015). Collection method: clinical testing. Allele origin: germline.
Comment: This sequence change creates a premature translational stop signal (p.Leu97Profs*8) in the CCDC103 gene. While this is not anticipated to result in nonsense mediated decay, it is expected to disrupt the last 146 amino acid(s) of the CCDC103 protein. This variant is present in population databases (no rsID available, gnomAD 0.02%). This variant has not been reported in the literature in individuals affected with CCDC103-related conditions. ClinVar contains an entry for this variant (Variation ID: 1797396). This variant disrupts a region of the CCDC103 protein in which other variant(s) (p.Ser190Argfs*19) have been determined to be pathogenic (internal data). This suggests that this is a clinically significant region of the protein, and that variants that disrupt it are likely to be disease-causing. For these reasons, this variant has been classified as Pathogenic.

3billion
Classification: Pathogenic for Primary ciliary dyskinesia 17. Last evaluated: 2024-07-25. Review status: criteria provided, single submitter. Criteria: ACMG Guidelines, 2015. Collection method: clinical testing. Allele origin: germline. Affected: yes.
Comment: The variant is observed at an extremely low frequency in the gnomAD v4.0.0 dataset (total allele frequency: <0.001%). Predicted Consequence/Location: Frameshift: predicted to result in a loss or disruption of normal protein function through protein truncation. The predicted truncated protein may be shortened by more than 10%. The variant has been reported at least twice as pathogenic with clinical assertions and evidence for the classification (ClinVar ID: VCV001797396). Therefore, this variant is classified as Pathogenic according to the recommendation of ACMG/AMP guideline.

Blueprint Genetics
Classification: Likely pathogenic for CCDC103-related disorders. Last evaluated: 2021-04-23. Review status: criteria provided, single submitter. Criteria: ACMG Guidelines, 2015. Collection method: clinical testing. Allele origin: germline. Affected: yes. Observed: 1 variant allele.

Ambry Genetics
Classification: Likely pathogenic for Primary ciliary dyskinesia. Last evaluated: 2018-02-19. Review status: criteria provided, single submitter. Criteria: Ambry Variant Classification Scheme 2023. Collection method: clinical testing. Allele origin: germline.
Comment: The c.289dupC variant, located in coding exon 3 of the CCDC103 gene, results from a duplication of C at nucleotide position 289, causing a translational frameshift with a predicted alternate stop codon (p.L97Pfs*8). This alteration is expected to result in loss of function by premature protein truncation that removes a significant proportion of the protein. In addition, three downstream pathogenic mutations (p.R111*, p.H154P, c.383dupG) have been reported in association with primary cilia dyskinesia, suggesting a critical role of the protein C-terminus (Panizzi JR et al. Nat. Genet., 2012 May;44:714-9; Boaretto F et al. J. Mol. Diagn., 2016 11;18:912-922). Based on the majority of available evidence to date, this variant is likely to be pathogenic.

Literature cited by the submitters: PubMed 22581229 (cited by Ambry Genetics); PubMed 27637300 (cited by Ambry Genetics).